The following is an entry in ClinVar:

ClinVar aggregate classification (germline): Conflicting classifications of pathogenicity. Review status: criteria provided, conflicting classifications (1 of 4 stars). 4 submissions from 4 submitters: Uncertain significance (3); Likely benign (1). Last evaluated 2025-09-22.

Conditions:
Inborn genetic diseases. Identifiers: MedGen C0950123, MeSH D030342.

Allele frequency attached by ClinVar (database versions not stated): TOPMed 0.00003; gnomAD 0.00005; ExAC 0.00010.

Submissions (4):

Mayo Clinic Laboratories, Mayo Clinic
Classification: Uncertain significance. Last evaluated: 2025-09-22. Review status: criteria provided, single submitter. Criteria: ACMG Guidelines, 2015. Collection method: clinical testing. Allele origin: germline. Observed: 1 variant allele.
Comment: BP4_strong

Blueprint Genetics
Classification: Likely benign. Last evaluated: 2023-06-13. Review status: criteria provided, single submitter. Criteria: ACMG Guidelines, 2015. Collection method: clinical testing. Allele origin: germline.

Ambry Genetics
Classification: Uncertain significance for Inborn genetic diseases. Last evaluated: 2022-11-30. Review status: criteria provided, single submitter. Criteria: Ambry Variant Classification Scheme 2023. Collection method: clinical testing. Allele origin: germline.

Labcorp Genetics (formerly Invitae), Labcorp
Classification: Uncertain significance. Last evaluated: 2022-02-08. Review status: criteria provided, single submitter. Criteria: Invitae Variant Classification Sherloc (09022015). Collection method: clinical testing. Allele origin: germline.
Comment: This sequence change replaces glycine, which is neutral and non-polar, with serine, which is neutral and polar, at codon 293 of the SLC34A3 protein (p.Gly293Ser). This variant is present in population databases (rs769313830, gnomAD 0.01%). This variant has not been reported in the literature in individuals affected with SLC34A3-related conditions. Algorithms developed to predict the effect of missense changes on protein structure and function output the following: SIFT: "Tolerated"; PolyPhen-2: "Benign"; Align-GVGD: "Class C0". The serine amino acid residue is found in multiple mammalian species, which suggests that this missense change does not adversely affect protein function. Algorithms developed to predict the effect of sequence changes on RNA splicing suggest that this variant may create or strengthen a splice site. In summary, the available evidence is currently insufficient to determine the role of this variant in disease. Therefore, it has been classified as a Variant of Uncertain Significance.

NM_001177316.2(SLC34A3):c.877G>A (p.Gly293Ser)

Gene: SLC34A3 (solute carrier family 34 member 3; plus strand). Cytogenetic location: 9q34.3.
Variant type: single nucleotide variant.
Coding change: c.877G>A on transcript NM_001177316.2 (MANE Select); coding-DNA position 877, G replaced by A.
Protein change: p.Gly293Ser; replaces glycine 293 with serine.
Molecular consequence: missense variant.
Genome position (GRCh38, 1-based): chr9:137,233,893, G>A. VCF-style: chr9-137233893-G-A. GRCh37 (hg19) VCF-style: chr9-140128345-G-A.
Other names: p.Gly293Ser; c.877G>A, p.Gly293Ser (NM_001177317.2, NM_080877.3); short protein forms G293S.
Identifiers: ClinVar variation 1901379 (VCV001901379.5), dbSNP rs769313830, ClinGen allele CA5364643.
Genomic context (GRCh38, chr9:137,233,893, plus strand): 5'-CCTGTCCTGAGTCCTCCCTGCCCTCCCCAGACCCAGGAGAACAGCAGCTGTGGCGCCTTC[G>A]GCCCGTGCACAGAGAAGAACAGCACAGCCCCGGCGGACAGGCTGCCCTGTGAGGCCCGGC-3'
Protein context (NP_001170787.2, residues 283-303): TQENSSCGAF[Gly293Ser]PCTEKNSTAP